The following is an entry in ClinVar:

NM_005359.6(SMAD4):c.1320G>A (p.Leu440=)

Gene: SMAD4 (SMAD family member 4; plus strand). Cytogenetic location: 18q21.2.
Variant type: single nucleotide variant.
Coding change: c.1320G>A on transcript NM_005359.6 (MANE Select); coding-DNA position 1320, G replaced by A.
Protein change: p.Leu440=; no amino-acid change (leucine 440 retained).
Molecular consequence: synonymous variant.
Genome position (GRCh38, 1-based): chr18:51,076,649, G>A. VCF-style: chr18-51076649-G-A. GRCh37 (hg19) VCF-style: chr18-48603019-G-A.
Identifiers: ClinVar variation 818911 (VCV000818911.20), dbSNP rs1599204046, ClinGen allele CA503873815.

ClinVar aggregate classification (germline): Benign/Likely benign. Review status: criteria provided, multiple submitters, no conflicts (2 of 4 stars). 4 submissions from 4 submitters: Benign (1); Likely benign (3). Last evaluated 2025-07-29.

Conditions:
Familial thoracic aortic aneurysm and aortic dissection (TAAD). Also called: Thoracic aortic aneurysms and dissections. Identifiers: Orphanet 91387, MedGen C4707243, MONDO:0019625.
Hereditary cancer-predisposing syndrome. Also called: Neoplastic Syndromes, Hereditary; Hereditary neoplastic syndrome; Hereditary Cancer Syndrome; Tumor predisposition. Identifiers: Orphanet 140162, MedGen C0027672, MeSH D009386, MONDO:0015356.
Juvenile polyposis syndrome (JPS). Identifiers: Orphanet 2929, MedGen C0345893, MONDO:0017380, OMIM 174900.
Juvenile polyposis/hereditary hemorrhagic telangiectasia syndrome (JPHT). Also called: JP/HHT SYNDROME; JUVENILE POLYPOSIS WITH HEREDITARY HEMORRHAGIC TELANGIECTASIA; POLYPOSIS, GENERALIZED JUVENILE, WITH PULMONARY ARTERIOVENOUS MALFORMATION; TELANGIECTASIA, HEREDITARY HEMORRHAGIC, WITH JUVENILE POLYPOSIS COLI; Juvenile Polyposis Syndrome / Hereditary Hemorrhagic Telangiectasia (JPS/HHT). Identifiers: Orphanet 2929, MedGen C1832942, MONDO:0008278, OMIM 175050.

Submissions (4):

Labcorp Genetics (formerly Invitae), Labcorp
Classification: Likely benign for Juvenile polyposis syndrome. Last evaluated: 2025-07-29. Review status: criteria provided, single submitter. Criteria: Invitae Variant Classification Sherloc (09022015). Collection method: clinical testing. Allele origin: germline.

Myriad Genetics, Inc.
Classification: Benign for Juvenile polyposis/hereditary hemorrhagic telangiectasia syndrome. Last evaluated: 2025-03-21. Review status: criteria provided, single submitter. Criteria: Myriad Autosomal Dominant, Autosomal Recessive and X-Linked Classification Criteria (2023). Collection method: clinical testing. Allele origin: unknown.
Comment: This variant is considered benign. This variant is a silent/synonymous amino acid change and it is not expected to impact splicing.

Center for Genomic Medicine, Rigshospitalet, Copenhagen University Hospital
Classification: Likely benign. Last evaluated: 2025-03-04. Review status: criteria provided, single submitter. Criteria: ACMG Guidelines, 2015. Collection method: clinical testing. Allele origin: germline.

Ambry Genetics
Classification: Likely benign for Hereditary cancer-predisposing syndrome; Familial thoracic aortic aneurysm and aortic dissection. Last evaluated: 2019-01-10. Review status: criteria provided, single submitter. Criteria: Ambry Variant Classification Scheme 2023. Collection method: clinical testing. Allele origin: germline.